The following is an entry in ClinVar:

ClinVar aggregate classification (germline): Uncertain significance. Review status: criteria provided, multiple submitters, no conflicts (2 of 4 stars). 2 submissions from 2 submitters: Uncertain significance (2). Last evaluated 2025-08-08.

Conditions:
Inborn genetic diseases. Identifiers: MedGen C0950123, MeSH D030342.

gnomAD v4.1: 8 of 1,613,828 alleles (0.0005%); highest among the groups gnomAD compares: Non-Finnish European, 0.00068%; no homozygotes.

Submissions (2):

Ambry Genetics
Classification: Uncertain significance for Inborn genetic diseases. Last evaluated: 2025-08-08. Review status: criteria provided, single submitter. Criteria: Ambry Variant Classification Scheme 2023. Collection method: clinical testing. Allele origin: germline.

Labcorp Genetics (formerly Invitae), Labcorp
Classification: Uncertain significance. Last evaluated: 2023-03-27. Review status: criteria provided, single submitter. Criteria: Invitae Variant Classification Sherloc (09022015). Collection method: clinical testing. Allele origin: germline.
Comment: In summary, the available evidence is currently insufficient to determine the role of this variant in disease. Therefore, it has been classified as a Variant of Uncertain Significance. An algorithm developed to predict the effect of missense changes on protein structure and function (PolyPhen-2) suggests that this variant is likely to be disruptive. This variant has not been reported in the literature in individuals affected with LTBP2-related conditions. This variant is not present in population databases (gnomAD no frequency). This sequence change replaces arginine, which is basic and polar, with proline, which is neutral and non-polar, at codon 1652 of the LTBP2 protein (p.Arg1652Pro).

NM_000428.3(LTBP2):c.4955G>C (p.Arg1652Pro)

Gene: LTBP2 (latent transforming growth factor beta binding protein 2; minus strand). Cytogenetic location: 14q24.3.
Variant type: single nucleotide variant.
Coding change: c.4955G>C on transcript NM_000428.3 (MANE Select); coding-DNA position 4955, G replaced by C.
Protein change: p.Arg1652Pro; replaces arginine 1652 with proline.
Molecular consequence: missense variant.
Genome position (GRCh38, 1-based): chr14:74,502,868, C>G on the plus strand (G>C on the coding strand, the complement: LTBP2 is on the minus strand). VCF-style: chr14-74502868-C-G. GRCh37 (hg19) VCF-style: chr14-74969571-C-G.
Other names: c.4955G>C (NM_000428.2); short protein forms R1652P.
Identifiers: ClinVar variation 2850342 (VCV002850342.4), dbSNP rs773510546, ClinGen allele CA390383754.
Genomic context (GRCh38, chr14:74,502,868, plus strand): 5'-TCTGGGCCATAGATGCTGTAGTGCAGGTCATCGGGCCCGGGGCCATACTCATAGCCTGGC[C>G]GGAAGTGGACCCCGGCCTCCCGCTCTGCCTCAATGCGAGCCACGTTGCACAGCTGAGCAT-3'
Protein context (NP_000419.1, residues 1642-1662): EAEREAGVHF[Arg1652Pro]PGYEYGPGPD